The following is an entry in ClinVar:

ClinVar aggregate classification (germline): Uncertain significance (1 of 4 stars; one submission).

Conditions:
Glycine encephalopathy. Also called: Non-ketotic hyperglycinemia; Nonketotic hyperglycinemia. Identifiers: Orphanet 407, MedGen C0751748, MONDO:0011612, HP:0008288.

Allele frequency attached by ClinVar (database versions not stated): TOPMed below 0.00001.

Submission:

Labcorp Genetics (formerly Invitae), Labcorp
Classification: Uncertain significance for Glycine encephalopathy. Last evaluated: 2022-07-12. Review status: criteria provided, single submitter. Criteria: Invitae Variant Classification Sherloc (09022015). Collection method: clinical testing. Allele origin: germline.
Comment: In summary, the available evidence is currently insufficient to determine the role of this variant in disease. Therefore, it has been classified as a Variant of Uncertain Significance. This sequence change replaces isoleucine, which is neutral and non-polar, with valine, which is neutral and non-polar, at codon 168 of the GCSH protein (p.Ile168Val). This variant is not present in population databases (gnomAD no frequency). This variant has not been reported in the literature in individuals affected with GCSH-related conditions. ClinVar contains an entry for this variant (Variation ID: 1006028). Algorithms developed to predict the effect of missense changes on protein structure and function output the following: SIFT: "Tolerated"; PolyPhen-2: "Benign"; Align-GVGD: "Class C0". The valine amino acid residue is found in multiple mammalian species, which suggests that this missense change does not adversely affect protein function.

NM_004483.5(GCSH):c.502A>G (p.Ile168Val)

Gene: GCSH (glycine cleavage system protein H; minus strand). Cytogenetic location: 16q23.2.
Variant type: single nucleotide variant.
Coding change: c.502A>G on transcript NM_004483.5 (MANE Select); coding-DNA position 502, A replaced by G.
Protein change: p.Ile168Val; replaces isoleucine 168 with valine.
Molecular consequence: missense variant. On other transcripts: non-coding transcript variant (1).
Genome position (GRCh38, 1-based): chr16:81,082,886, T>C on the plus strand (A>G on the coding strand, the complement: GCSH is on the minus strand). VCF-style: chr16-81082886-T-C. GRCh37 (hg19) VCF-style: chr16-81116491-T-C.
Other names: short protein forms I168V.
Identifiers: ClinVar variation 1006028 (VCV001006028.9), dbSNP rs1972198288, ClinGen allele CA396885672.